The following is an entry in ClinVar:

ClinVar aggregate classification (germline): Uncertain significance (1 of 4 stars; one submission).

gnomAD v4.1: 1 of 1,614,172 alleles (0.000062%); highest among the groups gnomAD compares: African/African-American, 0.0013%; no homozygotes.

Submission:

Labcorp Genetics (formerly Invitae), Labcorp
Classification: Uncertain significance. Last evaluated: 2025-06-24. Review status: criteria provided, single submitter. Criteria: Invitae Variant Classification Sherloc (09022015). Collection method: clinical testing. Allele origin: germline.
Comment: This sequence change replaces arginine, which is basic and polar, with leucine, which is neutral and non-polar, at codon 157 of the WNT7A protein (p.Arg157Leu). This variant is not present in population databases (gnomAD no frequency). This variant has not been reported in the literature in individuals affected with WNT7A-related conditions. Invitae Evidence Modeling of protein sequence and biophysical properties (such as structural, functional, and spatial information, amino acid conservation, physicochemical variation, residue mobility, and thermodynamic stability) indicates that this missense variant is not expected to disrupt WNT7A protein function with a negative predictive value of 80%. In summary, the available evidence is currently insufficient to determine the role of this variant in disease. Therefore, it has been classified as a Variant of Uncertain Significance.

NM_004625.4(WNT7A):c.470G>T (p.Arg157Leu)

Genes: WNT7A (Wnt family member 7A; minus strand), LOC126806608 (P300/CBP strongly-dependent group 1 enhancer GRCh37_chr3:13895244-13896443; plus strand). Cytogenetic location: 3p25.1.
Variant type: single nucleotide variant.
Coding change: c.470G>T on transcript NM_004625.4 (MANE Select); coding-DNA position 470, G replaced by T.
Protein change: p.Arg157Leu; replaces arginine 157 with leucine.
Molecular consequence: missense variant.
Genome position (GRCh38, 1-based): chr3:13,854,632, C>A on the plus strand (G>T on the coding strand, the complement: WNT7A is on the minus strand). VCF-style: chr3-13854632-C-A. GRCh37 (hg19) VCF-style: chr3-13896129-C-A.
Other names: short protein forms R157L.
Identifiers: ClinVar variation 4740943 (VCV004740943.1).